The following is an entry in ClinVar:

NM_020795.4(NLGN2):c.1074C>T (p.Asp358=)

Gene: NLGN2 (neuroligin 2; plus strand). Cytogenetic location: 17p13.1.
Variant type: single nucleotide variant.
Coding change: c.1074C>T on transcript NM_020795.4 (MANE Select); coding-DNA position 1074, C replaced by T.
Protein change: p.Asp358=; no amino-acid change (aspartic acid 358 retained).
Molecular consequence: synonymous variant.
Genome position (GRCh38, 1-based): chr17:7,415,547, C>T. VCF-style: chr17-7415547-C-T. GRCh37 (hg19) VCF-style: chr17-7318866-C-T.
Identifiers: ClinVar variation 4873074 (VCV004873074.2).
Genomic context (GRCh38, chr17:7,415,547, plus strand): 5'-GAGACCCTGACCCCTTCTCCCCAGCTACCACATCGCCTTTGGGCCCGTGGTGGATGGCGA[C>T]GTGGTCCCCGATGACCCTGAGATCCTCATGCAGCAGGGAGAATTCCTCAACTACGACATG-3'
Protein context (NP_065846.1, residues 348-368): HIAFGPVVDG[Asp358=]VVPDDPEILM

ClinVar aggregate classification (germline): Likely benign (1 of 4 stars; one submission).

gnomAD v4.1: 45 of 1,614,244 alleles (0.0028%); highest among the groups gnomAD compares: East Asian, 0.031%; no homozygotes.

Submission:

CeGaT Center for Human Genetics Tuebingen
Classification: Likely benign. Last evaluated: 2026-05-01. Review status: criteria provided, single submitter. Criteria: CeGaT Center For Human Genetics Tuebingen Variant Classification Criteria Version 2. Collection method: clinical testing. Allele origin: germline. Affected: yes. Observed: 1 variant allele.
Comment: NLGN2: BP4, BP7